The following is an entry in ClinVar:

ClinVar aggregate classification (germline): Uncertain significance. Review status: criteria provided, multiple submitters, no conflicts (2 of 4 stars). 3 submissions from 3 submitters: Uncertain significance (3). Last evaluated 2026-10-25.

Conditions:
Myofibrillar myopathy 5. Also called: Filaminopathy (type); FILAMINOPATHY, AUTOSOMAL DOMINANT. Identifiers: Orphanet 171445, MedGen C1836050, MONDO:0012289, OMIM 609524.
Distal myopathy with posterior leg and anterior hand involvement. Also called: WILLIAMS DISTAL MYOPATHY. Identifiers: Orphanet 63273, MedGen C3279722, MONDO:0013550, OMIM 614065.
Hypertrophic cardiomyopathy 26. Also called: Cardiomyopathy, familial hypertrophic, 26. Identifiers: Orphanet 75249, MedGen C4310749, MONDO:0014883, OMIM 617047.
Cardiovascular phenotype. Identifiers: MedGen CN230736.

Allele frequency attached by ClinVar (database versions not stated): gnomAD 0.00001; TOPMed 0.00001; gnomAD exomes below 0.00001.
gnomAD v4.1: 9 of 1,614,066 alleles (0.00056%); highest among the groups gnomAD compares: East Asian, 0.0022%; no homozygotes.

Submissions (3):

GeneDx
Classification: Uncertain significance. Last evaluated: 2026-10-25. Review status: criteria provided, single submitter. Criteria: GeneDx Variant Classification Process June 2021. Collection method: clinical testing. Allele origin: germline.
Comment: Has not been previously published as pathogenic or benign to our knowledge; In silico analysis supports that this missense variant has a deleterious effect on protein structure/function; Not observed at significant frequency in large population cohorts (gnomAD)

Labcorp Genetics (formerly Invitae), Labcorp
Classification: Uncertain significance for Distal myopathy with posterior leg and anterior hand involvement; Myofibrillar myopathy 5; Hypertrophic cardiomyopathy 26. Last evaluated: 2025-07-27. Review status: criteria provided, single submitter. Criteria: Invitae Variant Classification Sherloc (09022015). Collection method: clinical testing. Allele origin: germline.
Comment: This sequence change replaces proline, which is neutral and non-polar, with leucine, which is neutral and non-polar, at codon 1685 of the FLNC protein (p.Pro1685Leu). This variant is present in population databases (no rsID available, gnomAD 0.003%). This variant has not been reported in the literature in individuals affected with FLNC-related conditions. ClinVar contains an entry for this variant (Variation ID: 963310). Invitae Evidence Modeling of protein sequence and biophysical properties (such as structural, functional, and spatial information, amino acid conservation, physicochemical variation, residue mobility, and thermodynamic stability) has been performed for this missense variant. However, the output from this modeling did not meet the statistical confidence thresholds required to predict the impact of this variant on FLNC protein function. In summary, the available evidence is currently insufficient to determine the role of this variant in disease. Therefore, it has been classified as a Variant of Uncertain Significance.

Ambry Genetics
Classification: Uncertain significance for Cardiovascular phenotype. Last evaluated: 2024-09-03. Review status: criteria provided, single submitter. Criteria: Ambry Variant Classification Scheme 2023. Collection method: clinical testing. Allele origin: germline.
Comment: The p.P1685L variant (also known as c.5054C>T), located in coding exon 30 of the FLNC gene, results from a C to T substitution at nucleotide position 5054. The proline at codon 1685 is replaced by leucine, an amino acid with similar properties. This variant has been observed in at least one individual with a personal and/or family history that is consistent with hypertrophic cardiomyopathy (Ambry internal data). This amino acid position is highly conserved in available vertebrate species. In addition, this alteration is predicted to be deleterious by in silico analysis. Based on the available evidence, the clinical significance of this variant remains unclear.

NM_001458.5(FLNC):c.5054C>T (p.Pro1685Leu)

Gene: FLNC (filamin C; plus strand). Cytogenetic location: 7q32.1.
Variant type: single nucleotide variant.
Coding change: c.5054C>T on transcript NM_001458.5 (MANE Select); coding-DNA position 5054, C replaced by T.
Protein change: p.Pro1685Leu; replaces proline 1685 with leucine.
Molecular consequence: missense variant.
Genome position (GRCh38, 1-based): chr7:128,849,433, C>T. VCF-style: chr7-128849433-C-T. GRCh37 (hg19) VCF-style: chr7-128489487-C-T.
Other names: c.5054C>T, p.Pro1685Leu (NM_001127487.2); short protein forms P1685L.
Identifiers: ClinVar variation 963310 (VCV000963310.12), dbSNP rs1385628312, ClinGen allele CA369204076.
Genomic context (GRCh38, chr7:128,849,433, plus strand): 5'-TGATCACGGTGGATGCCAAGGCAGCCGGTGAGGGGAAGGTGACATGCACGGTGTCCACGC[C>T]GGATGGGGCAGAGCTCGATGTGGATGTGGTTGAGAACCATGACGGTACCTTTGACATCTA-3'
Protein context (NP_001449.3, residues 1675-1695): EGKVTCTVST[Pro1685Leu]DGAELDVDVV